The following is an entry in ClinVar:

ClinVar aggregate classification (germline): Uncertain significance. Review status: criteria provided, multiple submitters, no conflicts (2 of 4 stars). 2 submissions from 2 submitters: Uncertain significance (2). Last evaluated 2024-09-15.

Conditions:
Ataxia-telangiectasia syndrome (AT). Also called: AT, COMPLEMENTATION GROUP C; Ataxia-telangiectasia, complementation group D; ATAXIA-TELANGIECTASIA, COMPLEMENTATION GROUP A; ATAXIA-TELANGIECTASIA, FRESNO VARIANT; Ataxia-telangiectasia; Ataxia-telangiectasia, complementation group E. Identifiers: Orphanet 100, MedGen C0004135, MONDO:0008840, OMIM 208900.
Hereditary cancer-predisposing syndrome. Also called: Tumor predisposition; Hereditary Cancer Syndrome; Hereditary neoplastic syndrome; Neoplastic Syndromes, Hereditary. Identifiers: Orphanet 140162, MedGen C0027672, MeSH D009386, MONDO:0015356.

Submissions (2):

Labcorp Genetics (formerly Invitae), Labcorp
Classification: Uncertain significance for Ataxia-telangiectasia syndrome. Last evaluated: 2024-09-15. Review status: criteria provided, single submitter. Criteria: Invitae Variant Classification Sherloc (09022015). Collection method: clinical testing. Allele origin: germline.
Comment: This sequence change replaces aspartic acid, which is acidic and polar, with tyrosine, which is neutral and polar, at codon 2785 of the ATM protein (p.Asp2785Tyr). This variant is not present in population databases (gnomAD no frequency). This variant has not been reported in the literature in individuals affected with ATM-related conditions. An algorithm developed to predict the effect of missense changes on protein structure and function (PolyPhen-2) suggests that this variant is likely to be disruptive. Algorithms developed to predict the effect of sequence changes on RNA splicing suggest that this variant may disrupt the consensus splice site. In summary, the available evidence is currently insufficient to determine the role of this variant in disease. Therefore, it has been classified as a Variant of Uncertain Significance.

Ambry Genetics
Classification: Uncertain significance for Hereditary cancer-predisposing syndrome. Last evaluated: 2024-02-09. Review status: criteria provided, single submitter. Criteria: Ambry Variant Classification Scheme 2023. Collection method: clinical testing. Allele origin: germline.
Comment: The p.D2785Y variant (also known as c.8353G>T), located in coding exon 56 of the ATM gene, results from a G to T substitution at nucleotide position 8353. The aspartic acid at codon 2785 is replaced by tyrosine, an amino acid with highly dissimilar properties. This amino acid position is conserved. In addition, this alteration is predicted to be tolerated by in silico analysis. Based on the available evidence, the clinical significance of this alteration remains unclear.

NM_000051.4(ATM):c.8353G>T (p.Asp2785Tyr)

Genes: ATM (ATM serine/threonine kinase; plus strand), C11orf65 (chromosome 11 open reading frame 65; minus strand). Cytogenetic location: 11q22.3.
Variant type: single nucleotide variant.
Coding change: c.8353G>T on transcript NM_000051.4 (MANE Select); coding-DNA position 8353, G replaced by T.
Protein change: p.Asp2785Tyr; replaces aspartic acid 2785 with tyrosine.
Molecular consequence: missense variant. On other transcripts: intron variant (2).
Genome position (GRCh38, 1-based): chr11:108,343,306, G>T. VCF-style: chr11-108343306-G-T. GRCh37 (hg19) VCF-style: chr11-108214033-G-T.
Other names: c.8353G>T, p.Asp2785Tyr (NM_001351834.2); c.641-34235C>A (NM_001330368.2); c.695-8014C>A (NM_001351110.2); short protein forms D2785Y.
Identifiers: ClinVar variation 3223255 (VCV003223255.3), dbSNP rs587782417, ClinGen allele CA382516486.